The following is an entry in ClinVar:

ClinVar aggregate classification (germline): Pathogenic. Review status: reviewed by expert panel (3 of 4 stars). 24 submissions from 24 submitters: Pathogenic (1). 23 of the submissions do not count toward it. Last evaluated 2016-09-08.

Conditions:
Pancreatic cancer, susceptibility to, 2. Identifiers: Orphanet 1333, MedGen C3150546, MONDO:0013235, OMIM 613347.
Glioma susceptibility 3 (GLM3). Also called: Glioblastoma 3. Identifiers: Orphanet 182067, Orphanet 360, MedGen C2751641, MONDO:0013093, OMIM 613029.
Familial prostate cancer. Also called: Hereditary Prostate Cancer. Identifiers: MedGen C2931456, MONDO:0700275, OMIM 176807.
Breast-ovarian cancer, familial, susceptibility to, 2 (BROVCA2). Also called: BRCA2 Hereditary Breast and Ovarian Cancer. Identifiers: Orphanet 145, MedGen C2675520, MONDO:0012933, OMIM 612555. Disease mechanism: loss of function.
Fanconi anemia complementation group D1. Also called: BRCA2-Related Fanconi Anemia. Identifiers: Orphanet 319462, MedGen C1838457, MONDO:0011584, OMIM 605724.
Medulloblastoma (MDB). Also called: Medulloblastoma, somatic; MEDULLOBLASTOMA PREDISPOSITION SYNDROME. Identifiers: Orphanet 616, MedGen C0025149, MeSH D008527, MONDO:0007959, OMIM 155255, HP:0002885.
Wilms tumor 1 (WT1). Also called: Wilms tumor, somatic. Identifiers: Orphanet 654, MedGen CN033288, MONDO:0008679, OMIM 194070.
Familial cancer of breast. Also called: BREAST CANCER, FAMILIAL; hereditary breast carcinoma; Hereditary breast cancer. Identifiers: Orphanet 227535, MedGen C0346153, MONDO:0016419, OMIM 114480. Disease mechanism: loss of function.
BRCA2-related disorder. Also called: BRCA2-related condition; BRCA2-related disorders. Identifiers: MedGen CN239275.
Hereditary cancer-predisposing syndrome. Also called: Neoplastic Syndromes, Hereditary; Tumor predisposition; Hereditary Cancer Syndrome; Hereditary neoplastic syndrome. Identifiers: Orphanet 140162, MedGen C0027672, MeSH D009386, MONDO:0015356.
Hereditary breast ovarian cancer syndrome. Also called: Breast and ovarian cancer; Hereditary breast and ovarian cancer; Hereditary breast and ovarian cancer syndrome (HBOC); Hereditary breast and ovarian cancer syndrome; BRCA1- and BRCA2-Associated Hereditary Breast and Ovarian Cancer; Hereditary breast and/or ovarian cancer syndrome. Identifiers: Orphanet 145, MedGen C0677776, MeSH D061325, MONDO:0003582. Disease mechanism: loss of function.

Submissions 1 to 9 of 24:

Evidence-based Network for the Interpretation of Germline Mutant Alleles (ENIGMA)
Classification: Pathogenic for Breast-ovarian cancer, familial, susceptibility to, 2. Last evaluated: 2016-09-08. Review status: reviewed by expert panel. Criteria: ENIGMA BRCA1/2 Classification Criteria (2015). Collection method: curation. Allele origin: germline.
Comment: Variant allele predicted to encode a truncated non-functional protein.

Labcorp Genetics (formerly Invitae), Labcorp
Classification: Pathogenic for Hereditary breast ovarian cancer syndrome. Last evaluated: 2025-10-09. Review status: criteria provided, single submitter. Criteria: Invitae Variant Classification Sherloc (09022015). Collection method: clinical testing. Allele origin: germline. Not counted in ClinVar's aggregate classification.
Comment: This sequence change creates a premature translational stop signal (p.Lys1289Alafs*3) in the BRCA2 gene. It is expected to result in an absent or disrupted protein product. Loss-of-function variants in BRCA2 are known to be pathogenic (PMID: 20104584). This variant is not present in population databases (gnomAD no frequency). This premature translational stop signal has been observed in individual(s) with familial breast and ovarian cancer (PMID: 11102978, 20104584, 22729890). This variant is also known as 4093delAAAT or 4093del4. ClinVar contains an entry for this variant (Variation ID: 37862). Algorithms developed to predict the effect of variants on gene product structure and function are not available or were not evaluated for this variant. Experimental studies have shown that this premature translational stop signal affects BRCA2 function (PMID: 22729890). For these reasons, this variant has been classified as Pathogenic.

CeGaT Center for Human Genetics Tuebingen
Classification: Pathogenic. Last evaluated: 2025-09-01. Review status: criteria provided, single submitter. Criteria: CeGaT Center For Human Genetics Tuebingen Variant Classification Criteria Version 2. Collection method: clinical testing. Allele origin: germline. Affected: yes. Observed: 1 variant allele. Not counted in ClinVar's aggregate classification.
Comment: BRCA2: PVS1, PM2, PS4:Moderate

Color Diagnostics, LLC DBA Color Health
Classification: Pathogenic for Hereditary cancer-predisposing syndrome. Last evaluated: 2025-07-28. Review status: criteria provided, single submitter. Criteria: ACMG Guidelines, 2015. Collection method: clinical testing. Allele origin: germline. Not counted in ClinVar's aggregate classification.
Comment: This variant deletes 4 nucleotides in exon 11 of the BRCA2 gene, creating a frameshift and premature translation stop signal. This variant is expected to result in an absent or non-functional protein product. This variant has been reported in at least four individuals affected with breast or ovarian cancer and also in a few unaffected individuals (PMID: 20104584, 24728189, 28993434, 29797126, 33471991Leiden Open Variation Database DB-ID BRCA2_001167). This variant has not been identified in the general population by the Genome Aggregation Database (gnomAD). Loss of BRCA2 function is a known mechanism of disease. Based on the available evidence, this variant is classified as Pathogenic.

Ambry Genetics
Classification: Pathogenic for Hereditary cancer-predisposing syndrome. Last evaluated: 2025-03-20. Review status: criteria provided, single submitter. Criteria: Ambry Variant Classification Scheme 2023. Collection method: clinical testing. Allele origin: germline. Not counted in ClinVar's aggregate classification.
Comment: The c.3865_3868delAAAT pathogenic mutation, located in coding exon 10 of the BRCA2 gene, results from a deletion of 4 nucleotides at nucleotide positions 3865 to 3868, causing a translational frameshift with a predicted alternate stop codon (p.K1289Afs*3). This mutation has been reported in multple breast and/or ovarian cancer patients of varying ethnicities (Shiri-Sverdlov R et al. Hum. Mutat. 2000 Dec;16:491-501; Phelan CM et al. Hum Mutat, 2002 Nov;20:352-7; Borg A et al. Hum. Mutat. 2010 Mar;31:E1200-40; Becker AA et al. Breast Cancer Res. Treat. 2012 Aug;135:167-75; Kang PC et al. Breast Cancer Res. Treat. 2014 Apr;144:635-42; Song H et al. Hum Mol Genet, 2014 Sep;23:4703-9; Wen WX et al. J. Med. Genet. 2018 Feb;55:97-103; Rebbeck TR et al. Hum Mutat, 2018 05;39:593-620; Chan GHJ et al. Oncotarget, 2018 Jul;9:30649-30660; hen L et al. Breast Cancer Res Treat, 2020 Apr;180:759-766). This mutation was also identified in a cohort of 3579 African males diagnosed with prostate cancer who underwent multi-gene panel testing of 19 DNA repair and cancer predisposition genes (Matejcic M et al. JCO Precis Oncol, 2020 Jan;4:32-43). Of note, this alteration is also designated as 4093del4 and 4093delAAAT in published literature. In addition to the clinical data presented in the literature, this alteration is expected to result in loss of function by premature protein truncation or nonsense-mediated mRNA decay. As such, this alteration is interpreted as a disease-causing mutation.

Quest Diagnostics Nichols Institute San Juan Capistrano
Classification: Pathogenic. Last evaluated: 2025-02-05. Review status: criteria provided, single submitter. Criteria: Quest Diagnostics criteria. Collection method: clinical testing. Allele origin: unknown. Not counted in ClinVar's aggregate classification.
Comment: The BRCA2 c.3865_3868del (p.Lys1289Alafs*3) variant alters the translational reading frame of the BRCA2 mRNA and causes the premature termination of BRCA2 protein synthesis. This variant has been reported in the published literature in individuals with a personal and/or family history of breast and/or ovarian cancer (PMID: 38355628 (2024), 33646313 (2021), 30875412 (2019), 29797126 (2018), 24728189 (2014), 24578176 (2014), 20104584 (2010), 11802209 (2002), 11102978 (2000)). Functional studies demonstrated that this variant was damaging to protein function (PMID: 22729890 (2012)). This variant has not been reported in large, multi-ethnic general populations (Genome Aggregation Database). Based on the available information, this variant is classified as pathogenic.

Rady Children's Institute for Genomic Medicine, Rady Children's Hospital San Diego
Classification: Pathogenic for BRCA2-related disorders. Last evaluated: 2024-04-01. Review status: criteria provided, single submitter. Criteria: ACMG Guidelines, 2015. Collection method: clinical testing. Allele origin: germline. Affected: yes. Not counted in ClinVar's aggregate classification.
Comment: This variant is also referred to as c.4093del4 and c.4093delAAAT in the literature. This nonsense variant found in exon 11 of 28 is predicted to result in loss of normal protein function through either protein truncation or nonsense-mediated mRNA decay. Loss-of-function variation in BRCA2 is an established mechanism of disease (PMID: 20301425). This is a known Pathogenic variant that has been previously reported as a heterozygous change in patients with BRCA2-related disorders (PMID: 11102978, 22729890, 30093976, 33646313, 29797126, 20104584). Functional studies demonstrated that the c.3865_3868del (p.Lys1289AlafsTer3) variant results in increased chromosomal radiosensitivity and damaging in a metaphase-based radiation assay (PMID: 22729890). The c.3865_3868del (p.Lys1289AlafsTer3) variant is absent from the gnomAD v4 population database and thus is presumed to be rare. Based on the available evidence, c.3865_3868del (p.Lys1289AlafsTer3) is classified as Pathogenic.

Baylor Genetics
Classification: Pathogenic for Familial cancer of breast. Last evaluated: 2024-02-20. Review status: criteria provided, single submitter. Criteria: ACMG Guidelines, 2015. Collection method: clinical testing. Allele origin: unknown. Not counted in ClinVar's aggregate classification.

Revvity Omics, Revvity
Classification: Pathogenic. Last evaluated: 2022-12-07. Review status: criteria provided, single submitter. Criteria: ACMG Guidelines, 2015. Collection method: clinical testing. Allele origin: germline. Not counted in ClinVar's aggregate classification.

NM_000059.4(BRCA2):c.3865_3868del (p.Lys1289fs)

Gene: BRCA2 (BRCA2 DNA repair associated; plus strand). Cytogenetic location: 13q13.1.
Variant type: Deletion.
Coding change: c.3865_3868del on transcript NM_000059.4 (MANE Select); coding-DNA positions 3865 to 3868, 4 bases deleted (AAAT; older notation c.3865_3868delAAAT).
Protein change: p.Lys1289fs; shifts the reading frame from lysine 1289.
Molecular consequence: frameshift variant.
Genome position (GRCh38, 1-based): chr13:32,338,220-32,338,223, AAAT deleted; deleting any 4 consecutive bases within chr13:32,338,217-32,338,223 gives the same sequence; the c. name uses the placement nearest the transcript's 3' end. VCF-style (leftmost placement, unchanged base first): chr13-32338216-TAATA-T. GRCh37 (hg19) VCF-style: chr13-32912353-TAATA-T.
Other names: NP_000050.3:p.Lys1289AlafsTer3; 4093del4; c.3865_3868delAAAT (NM_000059.3); c.3862_3865del (NM_000059.3).
Identifiers: ClinVar variation 37862 (VCV000037862.52), dbSNP rs80359412, ClinGen allele CA019016.